The following is an entry in ClinVar:

ClinVar aggregate classification (germline): Uncertain significance (1 of 4 stars; one submission).

Conditions:
SKIN/HAIR/EYE PIGMENTATION, VARIATION IN, 2 (SHEP2). Also called: BLOND HAIR/FAIR SKIN; HAIR COLOR 2; RED HAIR COLOR. Identifiers: MedGen C1849452, OMIM 266300.

Submission:

Neuberg Centre For Genomic Medicine, NCGM
Classification: Uncertain significance for SKIN/HAIR/EYE PIGMENTATION, VARIATION IN, 2. Last evaluated: 2023-06-22. Review status: criteria provided, single submitter. Criteria: ACMG Guidelines, 2015. Collection method: clinical testing. Allele origin: germline. Inheritance: Autosomal recessive inheritance. Affected: yes.
Comment: The frameshift c.908delAinsTCC (p.Gln303LeufsTer12) variant in MC1R gene has not been reported previously as a pathogenic variant nor as a benign variant, to our knowledge. The p.Gln303LeufsTer12 variant is absent in gnomAD Exomes. This variant has not been reported to the ClinVar database. This variant causes a frameshift starting with codon Glutamine 303, changes this amino acid to Leucine residue, and creates a premature Stop codon at position 12 of the new reading frame, denoted p.Gln303LeufsTer12. Loss of function variants have been previously reported to be disease causing. However since this variant is present in the last exon, functional studies will be required to prove protein truncation. Hence the variant is classified as Variant of Uncertain Significance (VUS).

NM_002386.4(MC1R):c.908delinsTCC (p.Gln303fs)

Gene: MC1R (melanocortin 1 receptor; plus strand). Cytogenetic location: 16q24.3.
Variant type: Indel.
Coding change: c.908delinsTCC on transcript NM_002386.4 (MANE Select); coding-DNA position 908, A replaced by TCC.
Protein change: p.Gln303fs; shifts the reading frame from glutamine 303.
Molecular consequence: frameshift variant.
Genome position (GRCh38, 1-based): chr16:89,920,166, A replaced by TCC. VCF-style: chr16-89920166-A-TCC. GRCh37 (hg19) VCF-style: chr16-89986574-A-TCC.
Other names: c.908delAinsTCC (NM_002386.4); short protein forms Q303fs.
Identifiers: ClinVar variation 3731418 (VCV003731418.1).
Genomic context (GRCh38, chr16:89,920,166, plus strand): 5'-TTCTCGCCCTCATCATCTGCAATGCCATCATCGACCCCCTCATCTACGCCTTCCACAGCC[A>TCC]GGAGCTCCGCAGGACGCTCAAGGAGGTGCTGACATGCTCCTGGTGAGCGCGGTGCACGCG-3'